The following is an entry in ClinVar:

NM_002439.5(MSH3):c.676A>G (p.Lys226Glu)

Gene: MSH3 (mutS homolog 3; plus strand). Cytogenetic location: 5q14.1.
Variant type: single nucleotide variant.
Coding change: c.676A>G on transcript NM_002439.5 (MANE Select); coding-DNA position 676, A replaced by G.
Protein change: p.Lys226Glu; replaces lysine 226 with glutamic acid.
Molecular consequence: missense variant.
Genome position (GRCh38, 1-based): chr5:80,670,193, A>G. VCF-style: chr5-80670193-A-G. GRCh37 (hg19) VCF-style: chr5-79966012-A-G.
Other names: short protein forms K226E.
Identifiers: ClinVar variation 3222309 (VCV003222309.3), dbSNP rs572251871, ClinGen allele CA3327673.

ClinVar aggregate classification (germline): Uncertain significance. Review status: criteria provided, multiple submitters, no conflicts (2 of 4 stars). 2 submissions from 2 submitters: Uncertain significance (2). Last evaluated 2025-01-01.

Conditions:
Hereditary cancer-predisposing syndrome. Also called: Tumor predisposition; Hereditary neoplastic syndrome; Hereditary Cancer Syndrome; Neoplastic Syndromes, Hereditary. Identifiers: Orphanet 140162, MedGen C0027672, MeSH D009386, MONDO:0015356.

Allele frequency attached by ClinVar (database versions not stated): gnomAD exomes below 0.00001; TOPMed below 0.00001; ExAC 0.00001.
gnomAD v4.1: 2 of 1,614,174 alleles (0.00012%); highest among the groups gnomAD compares: South Asian, 0.0011%; no homozygotes.

Submissions (2):

Labcorp Genetics (formerly Invitae), Labcorp
Classification: Uncertain significance. Last evaluated: 2025-01-01. Review status: criteria provided, single submitter. Criteria: Invitae Variant Classification Sherloc (09022015). Collection method: clinical testing. Allele origin: germline.
Comment: This sequence change replaces lysine, which is basic and polar, with glutamic acid, which is acidic and polar, at codon 226 of the MSH3 protein (p.Lys226Glu). This variant is present in population databases (rs572251871, gnomAD 0.0009%). This variant has not been reported in the literature in individuals affected with MSH3-related conditions. ClinVar contains an entry for this variant (Variation ID: 3222309). An algorithm developed to predict the effect of missense changes on protein structure and function (PolyPhen-2) suggests that this variant is likely to be tolerated. In summary, the available evidence is currently insufficient to determine the role of this variant in disease. Therefore, it has been classified as a Variant of Uncertain Significance.

Ambry Genetics
Classification: Uncertain significance for Hereditary cancer-predisposing syndrome. Last evaluated: 2023-11-17. Review status: criteria provided, single submitter. Criteria: Ambry Variant Classification Scheme 2023. Collection method: clinical testing. Allele origin: germline.
Comment: The p.K226E variant (also known as c.676A>G), located in coding exon 4 of the MSH3 gene, results from an A to G substitution at nucleotide position 676. The lysine at codon 226 is replaced by glutamic acid, an amino acid with similar properties. This amino acid position is conserved. In addition, the in silico prediction for this alteration is inconclusive. Since supporting evidence is limited at this time, the clinical significance of this alteration remains unclear.